The following is an entry in ClinVar:

NM_000051.4(ATM):c.2849T>G (p.Leu950Arg)

Gene: ATM (ATM serine/threonine kinase; plus strand). Cytogenetic location: 11q22.3.
Variant type: single nucleotide variant.
Coding change: c.2849T>G on transcript NM_000051.4 (MANE Select); coding-DNA position 2849, T replaced by G.
Protein change: p.Leu950Arg; replaces leucine 950 with arginine.
Molecular consequence: missense variant.
Genome position (GRCh38, 1-based): chr11:108,271,074, T>G. VCF-style: chr11-108271074-T-G. GRCh37 (hg19) VCF-style: chr11-108141801-T-G.
Other names: c.2849T>G, p.Leu950Arg (NM_001351834.2); short protein forms L950R.
Identifiers: ClinVar variation 186574 (VCV000186574.37), dbSNP rs786203054, ClinGen allele CA195209.

ClinVar aggregate classification (germline): Likely pathogenic. Review status: criteria provided, multiple submitters, no conflicts (2 of 4 stars). 10 submissions from 10 submitters: Likely pathogenic (10). Last evaluated 2025-09-08.

Conditions:
Familial cancer of breast. Also called: BREAST CANCER, FAMILIAL; Hereditary breast cancer; hereditary breast carcinoma. Identifiers: Orphanet 227535, MedGen C0346153, MONDO:0016419, OMIM 114480. Disease mechanism: loss of function.
Ataxia-telangiectasia syndrome (AT). Also called: Ataxia-telangiectasia, complementation group D; AT, COMPLEMENTATION GROUP C; ATAXIA-TELANGIECTASIA, COMPLEMENTATION GROUP A; ATAXIA-TELANGIECTASIA, FRESNO VARIANT; Ataxia-telangiectasia; LOUIS-BAR SYNDROME. Identifiers: Orphanet 100, MedGen C0004135, MONDO:0008840, OMIM 208900.
Hereditary cancer-predisposing syndrome. Also called: Hereditary Cancer Syndrome; Neoplastic Syndromes, Hereditary; Tumor predisposition; Hereditary neoplastic syndrome. Identifiers: Orphanet 140162, MedGen C0027672, MeSH D009386, MONDO:0015356.

Allele frequency attached by ClinVar (database versions not stated): gnomAD exomes 0.00001.
gnomAD v4.1: 21 of 1,613,954 alleles (0.0013%); highest among the groups gnomAD compares: Non-Finnish European, 0.0017%; no homozygotes.

Submissions (10):

Color Diagnostics, LLC DBA Color Health
Classification: Likely pathogenic for Hereditary cancer-predisposing syndrome. Last evaluated: 2025-09-08. Review status: criteria provided, single submitter. Criteria: ACMG Guidelines, 2015. Collection method: clinical testing. Allele origin: germline.
Comment: This missense variant replaces leucine with arginine at codon 950 in the beta-adaptin interaction domain of the ATM protein. Computational prediction suggests that this variant may have deleterious impact on protein structure and function. To our knowledge, functional studies have not been reported for this variant. This variant has been reported in individuals affected with Ataxia-Telangiectasia (PMID: 10873394, 12552559, 20678261, 21792198DOI: 10.2139/ssrn.5099303), breast cancer (PMID: 32125938Color internal data), prostate cancer (PMID: 27989354, 36346689), and an unspecified advanced cancer (PMID: 28873162). This variant has not been identified in the general population by the Genome Aggregation Database (gnomAD). Based on the available evidence, this variant is classified as Likely Pathogenic.

Ambry Genetics
Classification: Likely pathogenic for Hereditary cancer-predisposing syndrome. Last evaluated: 2025-08-15. Review status: criteria provided, single submitter. Criteria: Ambry Variant Classification Scheme 2023. Collection method: clinical testing. Allele origin: germline.
Comment: The p.L950R variant (also known as c.2849T>G), located in coding exon 18 of the ATM gene, results from a T to G substitution at nucleotide position 2849. The leucine at codon 950 is replaced by arginine, an amino acid with dissimilar properties. This alteration has been reported in multiple individuals diagnosed with ataxia telangiectasia (Becker-Catania SG et al. Mol. Genet. Metab. 2000 Jun;70:122-33; Buzin CH et al. Hum. Mutat. 2003 Feb;21:123-31; Reiman A et al. Br. J. Cancer 2011 Aug;105(4):586-91). This alteration was reported in a patient diagnosed with breast cancer as well as patient with localized prostate cancer (Yadav S et al. J Clin Oncol. 2020 05;38:1409-1418; Na R et al. Eur. Urol. 2017 May;71:740-747). Two studies have demonstrated that this alteration leads to lack of ATM protein expression (Becker-Catania SG et al. Mol. Genet. Metab. 2000 Jun;70:122-33; Fang Z et al. Genome Integr. 2010 Jun;1:9). This variant is considered to be rare based on population cohorts in the Genome Aggregation Database (gnomAD). This amino acid position is highly conserved in available vertebrate species. In addition, this alteration is predicted to be deleterious by in silico analysis. Based on the majority of available evidence to date, this variant is likely to be pathogenic.

Molecular Diagnostics Laboratory, Catalan Institute of Oncology
Classification: Likely pathogenic for Hereditary cancer-predisposing syndrome. Last evaluated: 2025-04-22. Review status: criteria provided, single submitter. Criteria: ClinGen ACMG Specifications ATM V1.1.0. Collection method: clinical testing. Allele origin: germline.
Comment: PM2_Supporting, PM3_Strong, PP3 c.2849T>G, located in exon 19 of the ATM gene, is predicted to result in the substitution of leucine by arginine at codon 950, p.(Leu950Arg). It is not present in the population database gnomAD v2.1.1, non cancer dataset (PM2_supporting). The SpliceAI algorithm predicts no significant impact on splicing and the REVEL meta-predictor score for this variant (0.827) suggests a deleterious effect on protein function according to ClinGen ATM specific thresholds (PP3). Two studies have demonstrated that this alteration leads to lack of ATM protein expression (PMID: 10873394, 20678261). This variant has been reported in individuals affected with Ataxia-Telangiectasia (PMID: 10873394, 12552559, 20678261, 21792198)(PM3_Strong). In addition, it has been reported in ClinVar (8x likely pathogenic) and LOVD (1x uncertain significance, 1x not classified) databases. Based on currently available information, the variant c.2849T>G is classified as a likely pahogenic variant according to ClinGen-ATM Guidelines version 1.1.

Labcorp Genetics (formerly Invitae), Labcorp
Classification: Likely pathogenic for Ataxia-telangiectasia syndrome. Last evaluated: 2025-01-28. Review status: criteria provided, single submitter. Criteria: Invitae Variant Classification Sherloc (09022015). Collection method: clinical testing. Allele origin: germline.
Comment: This sequence change replaces leucine, which is neutral and non-polar, with arginine, which is basic and polar, at codon 950 of the ATM protein (p.Leu950Arg). This variant is not present in population databases (gnomAD no frequency). This missense change has been observed in individuals with lymphoma, pancreatic cancer and ataxia-telangiectasia, and/or prostate cancer (PMID: 10873394, 12552559, 20678261, 21792198, 27989354, 28873162, 36346689). ClinVar contains an entry for this variant (Variation ID: 186574). Invitae Evidence Modeling of protein sequence and biophysical properties (such as structural, functional, and spatial information, amino acid conservation, physicochemical variation, residue mobility, and thermodynamic stability) has been performed for this missense variant. However, the output from this modeling did not meet the statistical confidence thresholds required to predict the impact of this variant on ATM protein function. Experimental studies have shown that this missense change affects ATM function (PMID: 10873394, 20678261). RNA analysis performed to evaluate the impact of this missense change on mRNA splicing indicates it does not significantly alter splicing (internal data). In summary, the currently available evidence indicates that the variant is pathogenic, but additional data are needed to prove that conclusively. Therefore, this variant has been classified as Likely Pathogenic.

Women's Health and Genetics/Laboratory Corporation of America, LabCorp
Classification: Likely pathogenic for Ataxia-telangiectasia syndrome. Last evaluated: 2024-11-29. Review status: criteria provided, single submitter. Criteria: LabCorp Variant Classification Summary - May 2015. Collection method: clinical testing. Allele origin: germline.
Comment: Variant summary: ATM c.2849T>G (p.Leu950Arg) results in a non-conservative amino acid change in the encoded protein sequence. Five of five in-silico tools predict a damaging effect of the variant on protein function. The variant was absent in 251366 control chromosomes (gnomAD). c.2849T>G has been reported in the literature in individuals affected with Ataxia-Telangiectasia (examples: Buzin_2003, Reiman_2011, Fang_2010, Thompson_2005) and other ATM-related cancers (example: Na_2017). These data indicate that the variant is likely to be associated with disease. Functional studies reveal that the variant affect ATM function (example: Fang_2010). The following publications have been ascertained in the context of this evaluation (PMID: 10873394, 12552559, 20678261, 27989354, 15928302, 21792198). ClinVar contains an entry for this variant (Variation ID: 186574). Based on the evidence outlined above, the variant was classified as likely pathogenic.

Natera, Inc.
Classification: Likely pathogenic for Ataxia-telangiectasia. Last evaluated: 2024-04-11. Review status: criteria provided, single submitter. Criteria: Natera Variant Classification Schema (03/2026). Collection method: clinical testing. Allele origin: germline.
Comment: The c.2849T>G variant in ATM is a missense variant predicted to cause substitution of leucine to arginine at amino acid 950. This variant is rare in the general population with a frequency below the threshold expected for the associated phenotype(s). This variant has been observed in one or more individuals affected with the associated recessive disease, as either homozygous or compound heterozygous with a second variant (PMID: 12552559, 21792198). This variant has been identified in one or more affected individual with a phenotype highly consistent with the associated gene (PMID: 21792198). Computational prediction algorithms indicate this variant is likely to affect gene or protein function. Given the available evidence, this variant is classified as Likely Pathogenic.

Baylor Genetics
Classification: Likely pathogenic for Familial cancer of breast. Last evaluated: 2024-02-06. Review status: criteria provided, single submitter. Criteria: ACMG Guidelines, 2015. Collection method: clinical testing. Allele origin: unknown.

Myriad Genetics, Inc.
Classification: Likely pathogenic for Familial cancer of breast. Last evaluated: 2024-01-23. Review status: criteria provided, single submitter. Criteria: Myriad Autosomal Dominant, Autosomal Recessive and X-Linked Classification Criteria (2023). Collection method: clinical testing. Allele origin: unknown.
Comment: This variant is considered likely pathogenic. Functional studies indicate this variant impacts protein function [PMID: 10873394, 21792198, 20678261]. This variant has been reported in multiple individuals with clinical features of gene-specific disease [PMID: 10873394, 21792198, 12552559, 20678261].

GeneDx
Classification: Likely pathogenic. Last evaluated: 2023-06-27. Review status: criteria provided, single submitter. Criteria: GeneDx Variant Classification Process June 2021. Collection method: clinical testing. Allele origin: germline. Affected: yes.
Comment: Not observed at significant frequency in large population cohorts (gnomAD); In silico analysis supports that this missense variant has a deleterious effect on protein structure/function; This variant is associated with the following publications: (PMID: 21792198, 10330348, 30128536, 10873394, 20678261, 15928302, 27989354, 27304073, 28873162, 19781682, 34771661, 27535533, 32125938, 12552559, 36346689)

Revvity Omics, Revvity
Classification: Likely pathogenic for Ataxia-telangiectasia syndrome. Last evaluated: 2019-05-06. Review status: criteria provided, single submitter. Criteria: ACMG Guidelines, 2015. Collection method: clinical testing. Allele origin: germline.

Literature cited by the submitters: PubMed 10873394 (cited by 5 submitters); PubMed 12552559 (cited by 6 submitters); PubMed 20678261 (cited by 5 submitters); PubMed 21792198 (cited by 5 submitters); PubMed 27989354 (cited by 4 submitters); PubMed 28873162 (cited by Color Diagnostics, LLC DBA Color Health and Labcorp Genetics (formerly Invitae), Labcorp); PubMed 32125938 (cited by Color Diagnostics, LLC DBA Color Health and Ambry Genetics); PubMed 36346689 (cited by Color Diagnostics, LLC DBA Color Health and Labcorp Genetics (formerly Invitae), Labcorp); PubMed 15928302 (cited by Women's Health and Genetics/Laboratory Corporation of America, LabCorp).